The following is an entry in ClinVar:

ClinVar aggregate classification (germline): Likely benign. Review status: criteria provided, multiple submitters, no conflicts (2 of 4 stars). 3 submissions from 3 submitters: Likely benign (3). Last evaluated 2025-05-09.

Conditions:
Familial thoracic aortic aneurysm and aortic dissection (TAAD). Also called: Thoracic aortic aneurysms and dissections. Identifiers: Orphanet 91387, MedGen C4707243, MONDO:0019625.
Connective tissue disorder. Also called: Connective tissue disease. Identifiers: MedGen C0009782, MONDO:0003900.
Aortic aneurysm, familial thoracic 4 (AAT4). Also called: AORTIC ANEURYSM/AORTIC DISSECTION AND PATENT DUCTUS ARTERIOSUS. Identifiers: MedGen C1851504, MONDO:0007568, OMIM 132900.

Allele frequency attached by ClinVar (database versions not stated): gnomAD exomes below 0.00001.
gnomAD v4.1: 4 of 1,614,160 alleles (0.00025%); highest among the groups gnomAD compares: Non-Finnish European, 0.00034%; no homozygotes.

Submissions (3):

Labcorp Genetics (formerly Invitae), Labcorp
Classification: Likely benign for Aortic aneurysm, familial thoracic 4. Last evaluated: 2025-05-09. Review status: criteria provided, single submitter. Criteria: Invitae Variant Classification Sherloc (09022015). Collection method: clinical testing. Allele origin: germline.

All of Us Research Program, National Institutes of Health
Classification: Likely benign for Familial thoracic aortic aneurysm and aortic dissection. Last evaluated: 2023-12-13. Review status: criteria provided, single submitter. Criteria: ACMG Guidelines, 2015. Collection method: clinical testing. Allele origin: germline. Inheritance: Autosomal dominant inheritance. Observed: 1 variant allele, 1 heterozygote.
Comment: This study involves interpretation of variants in research participants for the purpose of population health screening. Participant phenotype was not available at the time of variant classification. Additional details can be found in publication PMID: 35346344, PMCID: PMC8962531

Center for Human Genetics, Inc
Classification: Likely benign for Connective tissue disorder. Last evaluated: 2018-06-01. Review status: criteria provided, single submitter. Criteria: ACMG Guidelines, 2015. Collection method: clinical testing. Allele origin: germline. Affected: yes.

NM_002474.3(MYH11):c.2967C>G (p.Val989=)

Gene: MYH11 (myosin heavy chain 11; minus strand). Cytogenetic location: 16p13.11.
Variant type: single nucleotide variant.
Coding change: c.2967C>G on transcript NM_002474.3 (MANE Select); coding-DNA position 2967, C replaced by G.
Protein change: p.Val989=; no amino-acid change (valine 989 retained).
Molecular consequence: synonymous variant.
Genome position (GRCh38, 1-based): chr16:15,740,081, G>C on the plus strand (C>G on the coding strand, the complement: MYH11 is on the minus strand). VCF-style: chr16-15740081-G-C. GRCh37 (hg19) VCF-style: chr16-15833938-G-C.
Other names: c.2988C>G, p.Val996= (NM_001040113.2, NM_001040114.2); c.2967C>G, p.Val989= (NM_022844.3).
Identifiers: ClinVar variation 561306 (VCV000561306.3), dbSNP rs1567717006, ClinGen allele CA493785736.